The following is an entry in ClinVar:

NM_020937.4(FANCM):c.4352A>T (p.His1451Leu)

Gene: FANCM (FA complementation group M; plus strand). Cytogenetic location: 14q21.2.
Variant type: single nucleotide variant.
Coding change: c.4352A>T on transcript NM_020937.4 (MANE Select); coding-DNA position 4352, A replaced by T.
Protein change: p.His1451Leu; replaces histidine 1451 with leucine.
Molecular consequence: missense variant.
Genome position (GRCh38, 1-based): chr14:45,181,671, A>T. VCF-style: chr14-45181671-A-T. GRCh37 (hg19) VCF-style: chr14-45650874-A-T.
Other names: c.4274A>T, p.His1425Leu (NM_001308133.2); short protein forms H1425L, H1451L.
Identifiers: ClinVar variation 1006045 (VCV001006045.9), dbSNP rs572890751, ClinGen allele CA389607327.

ClinVar aggregate classification (germline): Uncertain significance. Review status: criteria provided, multiple submitters, no conflicts (2 of 4 stars). 2 submissions from 2 submitters: Uncertain significance (2). Last evaluated 2023-08-04.

Conditions:
Fanconi anemia (FA). Also called: Fanconi's anemia. Identifiers: Orphanet 84, MedGen C0015625, MeSH D005199, MONDO:0019391.

gnomAD v4.1: 1 of 1,611,514 alleles (0.000062%); highest among the groups gnomAD compares: Non-Finnish European, 0.000085%; no homozygotes.

Submissions (2):

Labcorp Genetics (formerly Invitae), Labcorp
Classification: Uncertain significance for Fanconi anemia. Last evaluated: 2023-08-04. Review status: criteria provided, single submitter. Criteria: Invitae Variant Classification Sherloc (09022015). Collection method: clinical testing. Allele origin: germline.
Comment: In summary, the available evidence is currently insufficient to determine the role of this variant in disease. Therefore, it has been classified as a Variant of Uncertain Significance. An algorithm developed to predict the effect of missense changes on protein structure and function (PolyPhen-2) suggests that this variant is likely to be tolerated. ClinVar contains an entry for this variant (Variation ID: 1006045). This variant has not been reported in the literature in individuals affected with FANCM-related conditions. This variant is present in population databases (no rsID available, gnomAD 0.01%). This sequence change replaces histidine, which is basic and polar, with leucine, which is neutral and non-polar, at codon 1451 of the FANCM protein (p.His1451Leu).

Blueprint Genetics
Classification: Uncertain significance. Last evaluated: 2020-03-10. Review status: criteria provided, single submitter. Criteria: ACMG Guidelines, 2015. Collection method: clinical testing. Allele origin: germline.